The following is an entry in ClinVar:

NM_000257.4(MYH7):c.209C>A (p.Thr70Asn)

Gene: MYH7 (myosin heavy chain 7; minus strand). Cytogenetic location: 14q11.2.
Variant type: single nucleotide variant.
Coding change: c.209C>A on transcript NM_000257.4 (MANE Select); coding-DNA position 209, C replaced by A.
Protein change: p.Thr70Asn; replaces threonine 70 with asparagine.
Molecular consequence: missense variant.
Genome position (GRCh38, 1-based): chr14:23,433,220, G>T on the plus strand (C>A on the coding strand, the complement: MYH7 is on the minus strand). VCF-style: chr14-23433220-G-T. GRCh37 (hg19) VCF-style: chr14-23902429-G-T.
Other names: short protein forms T70N.
Identifiers: ClinVar variation 640485 (VCV000640485.8), dbSNP rs1327007939, ClinGen allele CA389053509.
Genomic context (GRCh38, chr14:23,433,220, plus strand): 5'-ATGTCCTCGATTTTGTCGAACTTGGGTGGGTTCTGCTGCATCACCTGGTCCTCCTTCACG[G>T]TCACTGTCTGCAAGAGCCCCCACCCAAGCCCTCCTGTCAGCCTGGGCTTTCCCTCCTTCC-3'
Protein context (NP_000248.2, residues 60-80): TAETEYGKTV[Thr70Asn]VKEDQVMQQN

ClinVar aggregate classification (germline): Uncertain significance (1 of 4 stars; one submission).

Conditions:
Hypertrophic cardiomyopathy. Also called: HYPERTROPHIC MYOCARDIOPATHY. Identifiers: Orphanet 217569, MedGen C0007194, MeSH D002312, MONDO:0005045, HP:0001639.

Allele frequency attached by ClinVar (database versions not stated): gnomAD exomes below 0.00001; gnomAD 0.00003.
gnomAD v4.1: 1 of 1,614,156 alleles (0.000062%); highest among the groups gnomAD compares: Non-Finnish European, 0.000085%; no homozygotes.

Submission:

Labcorp Genetics (formerly Invitae), Labcorp
Classification: Uncertain significance for Hypertrophic cardiomyopathy. Last evaluated: 2025-04-07. Review status: criteria provided, single submitter. Criteria: Invitae Variant Classification Sherloc (09022015). Collection method: clinical testing. Allele origin: germline.
Comment: This sequence change replaces threonine, which is neutral and polar, with asparagine, which is neutral and polar, at codon 70 of the MYH7 protein (p.Thr70Asn). This variant is present in population databases (no rsID available, gnomAD 0.007%). This variant has not been reported in the literature in individuals affected with MYH7-related conditions. ClinVar contains an entry for this variant (Variation ID: 640485). Invitae Evidence Modeling of protein sequence and biophysical properties (such as structural, functional, and spatial information, amino acid conservation, physicochemical variation, residue mobility, and thermodynamic stability) indicates that this missense variant is expected to disrupt MYH7 protein function with a positive predictive value of 95%. In summary, the available evidence is currently insufficient to determine the role of this variant in disease. Therefore, it has been classified as a Variant of Uncertain Significance.